The following is an entry in ClinVar:

NM_007217.4(PDCD10):c.455dup (p.Tyr152Ter)

Gene: PDCD10 (programmed cell death 10; minus strand). Cytogenetic location: 3q26.1.
Variant type: Duplication.
Coding change: c.455dup on transcript NM_007217.4 (MANE Select); coding-DNA position 455, one base duplicated (A; older notation c.455dupA).
Protein change: p.Tyr152Ter; replaces tyrosine 152 with a stop codon.
Molecular consequence: nonsense.
Genome position (GRCh38, 1-based): chr3:167,687,634, T duplicated on the plus strand (A on the coding strand, the reverse complement: PDCD10 is on the minus strand). VCF-style (leftmost placement, unchanged base first): chr3-167687633-A-AT. GRCh37 (hg19) VCF-style: chr3-167405421-A-AT.
Other names: c.455dup, p.Tyr152Ter (NM_001439202.1, NM_001439204.1, NM_001439205.1 and 2 more transcripts); short protein forms Y152*.
Identifiers: ClinVar variation 4727873 (VCV004727873.1).

ClinVar aggregate classification (germline): Pathogenic (1 of 4 stars; one submission).

Conditions:
Cerebral cavernous malformation 3. Also called: Familial Cerebral Cavernous Malformation 3. Identifiers: Orphanet 221061, MedGen C1864040, MONDO:0011305, OMIM 603285.

Submission:

Labcorp Genetics (formerly Invitae), Labcorp
Classification: Pathogenic for Cerebral cavernous malformation 3. Last evaluated: 2025-09-25. Review status: criteria provided, single submitter. Criteria: Invitae Variant Classification Sherloc (09022015). Collection method: clinical testing. Allele origin: germline.
Comment: This sequence change creates a premature translational stop signal (p.Tyr152*) in the PDCD10 gene. It is expected to result in an absent or disrupted protein product. Loss-of-function variants in PDCD10 are known to be pathogenic (PMID: 15543491, 18300272, 23801932). This variant is not present in population databases (gnomAD no frequency). This premature translational stop signal has been observed in individual(s) with cerebral cavernous malformations (PMID: 23801932). For these reasons, this variant has been classified as Pathogenic.

Literature cited by the submitters: PubMed 15543491; PubMed 18300272; PubMed 23801932.